The following is an entry in ClinVar:

ClinVar aggregate classification (germline): Likely benign. Review status: reviewed by expert panel (3 of 4 stars). 11 submissions from 11 submitters: Likely benign (1). 10 of the submissions do not count toward it. Last evaluated 2017-06-29.

Conditions:
Hereditary cancer-predisposing syndrome. Also called: Tumor predisposition; Hereditary Cancer Syndrome; Hereditary neoplastic syndrome; Neoplastic Syndromes, Hereditary. Identifiers: Orphanet 140162, MedGen C0027672, MeSH D009386, MONDO:0015356.
Hereditary breast ovarian cancer syndrome. Also called: Breast and ovarian cancer; Hereditary breast and ovarian cancer syndrome; Hereditary breast and ovarian cancer; BRCA1- and BRCA2-Associated Hereditary Breast and Ovarian Cancer; Hereditary breast and ovarian cancer syndrome (HBOC); Hereditary breast and/or ovarian cancer syndrome. Identifiers: Orphanet 145, MedGen C0677776, MeSH D061325, MONDO:0003582. Disease mechanism: loss of function.
Breast-ovarian cancer, familial, susceptibility to, 2 (BROVCA2). Also called: BRCA2 Hereditary Breast and Ovarian Cancer. Identifiers: Orphanet 145, MedGen C2675520, MONDO:0012933, OMIM 612555. Disease mechanism: loss of function.

Allele frequency attached by ClinVar (database versions not stated): gnomAD 0.00001; gnomAD exomes 0.00001 and 0.00003; ExAC 0.00002; TOPMed 0.00002.
gnomAD v4.1: 15 of 1,591,562 alleles (0.00094%); highest among the groups gnomAD compares: Admixed American, 0.011%; no homozygotes.

Submissions (11):

Evidence-based Network for the Interpretation of Germline Mutant Alleles (ENIGMA)
Classification: Likely benign for Breast-ovarian cancer, familial, susceptibility to, 2. Last evaluated: 2017-06-29. Review status: reviewed by expert panel. Criteria: ENIGMA BRCA1/2 Classification Criteria (2017-06-29). Collection method: curation. Allele origin: germline.
Comment: Synonymous substitution variant, with low bioinformatic likelihood to result in a splicing aberration (Splicing prior probability 0.02).

Labcorp Genetics (formerly Invitae), Labcorp
Classification: Likely benign for Hereditary breast ovarian cancer syndrome. Last evaluated: 2026-02-02. Review status: criteria provided, single submitter. Criteria: Invitae Variant Classification Sherloc (09022015). Collection method: clinical testing. Allele origin: germline. Not counted in ClinVar's aggregate classification.

Quest Diagnostics Nichols Institute San Juan Capistrano
Classification: Likely benign. Last evaluated: 2025-07-16. Review status: criteria provided, single submitter. Criteria: Quest Diagnostics criteria. Collection method: clinical testing. Allele origin: unknown. Not counted in ClinVar's aggregate classification.

ARUP Laboratories, Molecular Genetics and Genomics, ARUP Laboratories
Classification: Likely benign. Last evaluated: 2024-06-17. Review status: criteria provided, single submitter. Criteria: ARUP Molecular Germline Variant Investigation Process 2024. Collection method: clinical testing. Allele origin: germline. Not counted in ClinVar's aggregate classification.

Sema4
Classification: Likely benign for Hereditary cancer-predisposing syndrome. Last evaluated: 2021-12-20. Review status: criteria provided, single submitter. Criteria: Sema4 Curation Guidelines. Collection method: curation. Allele origin: germline. Not counted in ClinVar's aggregate classification.

Women's Health and Genetics/Laboratory Corporation of America, LabCorp
Classification: Likely benign. Last evaluated: 2020-01-31. Review status: criteria provided, single submitter. Criteria: LabCorp Variant Classification Summary - May 2015. Collection method: clinical testing. Allele origin: germline. Not counted in ClinVar's aggregate classification.

GeneDx
Classification: Likely benign. Last evaluated: 2018-12-13. Review status: criteria provided, single submitter. Criteria: GeneDx Variant Classification Process June 2021. Collection method: clinical testing. Allele origin: germline. Affected: yes. Not counted in ClinVar's aggregate classification.

PreventionGenetics, part of Exact Sciences
Classification: Likely benign. Last evaluated: 2017-11-02. Review status: criteria provided, single submitter. Criteria: ACMG Guidelines, 2015. Collection method: clinical testing. Allele origin: germline. Not counted in ClinVar's aggregate classification.

Color Diagnostics, LLC DBA Color Health
Classification: Likely benign for Hereditary cancer-predisposing syndrome. Last evaluated: 2015-04-15. Review status: criteria provided, single submitter. Criteria: ACMG Guidelines, 2015. Collection method: clinical testing. Allele origin: germline. Not counted in ClinVar's aggregate classification.

Ambry Genetics
Classification: Likely benign for Hereditary cancer-predisposing syndrome. Last evaluated: 2014-07-22. Review status: criteria provided, single submitter. Criteria: Ambry Variant Classification Scheme 2023. Collection method: clinical testing. Allele origin: germline. Not counted in ClinVar's aggregate classification.

Counsyl
Classification: Likely benign for Breast-ovarian cancer, familial, susceptibility to, 2. Last evaluated: 2016-09-09. Review status: no assertion criteria provided. Collection method: clinical testing. Allele origin: unknown. Not counted in ClinVar's aggregate classification.

Literature cited by the submitters: PubMed 30630528 (cited by Quest Diagnostics Nichols Institute San Juan Capistrano); PubMed 16683254 (cited by 3 submitters).

NM_000059.4(BRCA2):c.918T>C (p.Asp306=)

Gene: BRCA2 (BRCA2 DNA repair associated; plus strand). Cytogenetic location: 13q13.1.
Variant type: single nucleotide variant.
Coding change: c.918T>C on transcript NM_000059.4 (MANE Select); coding-DNA position 918, T replaced by C.
Protein change: p.Asp306=; no amino-acid change (aspartic acid 306 retained).
Molecular consequence: synonymous variant.
Genome position (GRCh38, 1-based): chr13:32,332,396, T>C. VCF-style: chr13-32332396-T-C. GRCh37 (hg19) VCF-style: chr13-32906533-T-C.
Identifiers: ClinVar variation 184704 (VCV000184704.35), dbSNP rs184408918, ClinGen allele CA026022.